The following is an entry in ClinVar:

ClinVar aggregate classification (germline): Uncertain significance. Review status: criteria provided, multiple submitters, no conflicts (2 of 4 stars). 8 submissions from 8 submitters: Uncertain significance (8). Last evaluated 2026-03-26.

Conditions:
Cardiovascular phenotype. Identifiers: MedGen CN230736.
Cardiomyopathy (CMYO). Also called: Cardiomyopathies. Identifiers: Orphanet 167848, MedGen C0878544, MONDO:0004994, HP:0001638. Inheritance: Various modes of inheritance.
Hypertrophic cardiomyopathy. Also called: HYPERTROPHIC MYOCARDIOPATHY. Identifiers: Orphanet 217569, MedGen C0007194, MeSH D002312, MONDO:0005045, HP:0001639.

Allele frequency attached by ClinVar (database versions not stated): gnomAD 0.00001; gnomAD exomes 0.00001; ExAC 0.00002; TOPMed 0.00002.
gnomAD v4.1: 19 of 1,612,592 alleles (0.0012%); highest among the groups gnomAD compares: Non-Finnish European, 0.0015%; no homozygotes.

Submissions (8):

GeneDx
Classification: Uncertain significance. Last evaluated: 2026-03-26. Review status: criteria provided, single submitter. Criteria: GeneDx Variant Classification Process June 2021. Collection method: clinical testing. Allele origin: germline. Affected: yes.
Comment: Identified in an individual from a large cohort of patients with hypertrophic cardiomyopathy, but detailed clinical information was not provided and it is unknown if this individual harbored variants in other genes associated with cardiomyopathy (PMID: 30297972); Not observed at significant frequency in large population cohorts (gnomAD); In silico analysis supports a deleterious effect on splicing; This variant is associated with the following publications: (PMID: 30297972, 37937776)

Labcorp Genetics (formerly Invitae), Labcorp
Classification: Uncertain significance for Hypertrophic cardiomyopathy. Last evaluated: 2025-12-22. Review status: criteria provided, single submitter. Criteria: Invitae Variant Classification Sherloc (09022015). Collection method: clinical testing. Allele origin: germline.
Comment: This sequence change falls in intron 25 of the MYH7 gene. It does not directly change the encoded amino acid sequence of the MYH7 protein. It affects a nucleotide within the consensus splice site. This variant is present in population databases (rs727505355, gnomAD 0.002%). This variant has been observed in individual(s) with clinical features of MYH7-related conditions (PMID: 30297972, 37937776). ClinVar contains an entry for this variant (Variation ID: 180110). Variants that disrupt the consensus splice site are a relatively common cause of aberrant splicing (PMID: 17576681, 9536098). Algorithms developed to predict the effect of sequence changes on RNA splicing suggest that this variant may disrupt the consensus splice site. In summary, the available evidence is currently insufficient to determine the role of this variant in disease. Therefore, it has been classified as a Variant of Uncertain Significance.

Color Diagnostics, LLC DBA Color Health
Classification: Uncertain significance for Cardiomyopathy. Last evaluated: 2025-06-18. Review status: criteria provided, single submitter. Criteria: ACMG Guidelines, 2015. Collection method: clinical testing. Allele origin: germline.
Comment: This variant causes an A to T nucleotide substitution at the +3 position of intron 25 of the MYH7 gene. Splice site prediction tools are inconclusive regarding the impact of this variant on RNA splicing. To our knowledge, functional studies have not been reported for this variant. This variant has been reported in an individual affected with hypertrophic cardiomyopathy (PMID: 30297972). This variant has been identified in 2/251386 chromosomes in the general population by the Genome Aggregation Database (gnomAD). The available evidence is insufficient to determine the role of this variant in disease conclusively. Therefore, this variant is classified as a Variant of Uncertain Significance.

Blueprint Genetics
Classification: Uncertain significance. Last evaluated: 2024-08-22. Review status: criteria provided, single submitter. Criteria: ACMG Guidelines, 2015. Collection method: clinical testing. Allele origin: germline.

All of Us Research Program, National Institutes of Health
Classification: Uncertain significance for Cardiomyopathy. Last evaluated: 2023-12-15. Review status: criteria provided, single submitter. Criteria: ACMG Guidelines, 2015. Collection method: clinical testing. Allele origin: germline. Inheritance: Autosomal dominant inheritance. Observed: 6 variant alleles, 6 heterozygotes.
Comment: This variant causes an A to T nucleotide substitution at the +3 position of intron 25 of the MYH7 gene. Splice site prediction tools are inconclusive regarding the impact of this variant on RNA splicing. To our knowledge, functional studies have not been reported for this variant. This variant has been reported in an individual affected with hypertrophic cardiomyopathy (PMID: 30297972). This variant has been identified in 2/251386 chromosomes in the general population by the Genome Aggregation Database (gnomAD). The available evidence is insufficient to determine the role of this variant in disease conclusively. Therefore, this variant is classified as a Variant of Uncertain Significance.

This study involves interpretation of variants in research participants for the purpose of population health screening. Participant phenotype was not available at the time of variant classification. Additional details can be found in publication PMID: 35346344, PMCID: PMC8962531

Ambry Genetics
Classification: Uncertain significance for Cardiovascular phenotype. Last evaluated: 2022-12-07. Review status: criteria provided, single submitter. Criteria: Ambry Variant Classification Scheme 2023. Collection method: clinical testing. Allele origin: germline.
Comment: The c.3245+3A>T intronic variant results from an A to T substitution 3 nucleotides after coding exon 23 in the MYH7 gene. This nucleotide position is highly conserved in available vertebrate species. In silico splice site analysis predicts that this alteration will weaken the native splice donor site. Since supporting evidence is limited at this time, the clinical significance of this alteration remains unclear.

CHEO Genetics Diagnostic Laboratory, Children's Hospital of Eastern Ontario
Classification: Uncertain significance for Cardiomyopathy. Last evaluated: 2020-02-19. Review status: criteria provided, single submitter. Criteria: ACMG Guidelines, 2015. Collection method: clinical testing. Allele origin: germline.

Laboratory for Molecular Medicine, Mass General Brigham Personalized Medicine
Classification: Uncertain significance. Last evaluated: 2015-10-22. Review status: criteria provided, single submitter. Criteria: LMM Criteria. Collection method: clinical testing. Allele origin: germline. Observed: 4 variant alleles.
Comment: The c.3245+3A>T variant in MYH7 has been identified by our laboratory in 1 indiv idual with HCM and 1 individual with DCM. This variant has also been identified in 2/66708 European chromosomes by the Exome Aggregation Consortium (ExAC; dbSNP rs727505355). This variant is located in the 5' splice region. Computational tools do not suggest an impact to splicing. Howeve r, this information is not predictive enough to rule out pathogenicity. In summa ry, the clinical significance of the c.3245+3A>T variant is uncertain.

Literature cited by the submitters: PubMed 30297972 (cited by 3 submitters); PubMed 37937776 (cited by Labcorp Genetics (formerly Invitae), Labcorp); PubMed 17576681 (cited by Labcorp Genetics (formerly Invitae), Labcorp); PubMed 9536098 (cited by Labcorp Genetics (formerly Invitae), Labcorp).

NM_000257.4(MYH7):c.3245+3A>T

Gene: MYH7 (myosin heavy chain 7; minus strand). Cytogenetic location: 14q11.2.
Variant type: single nucleotide variant.
Coding change: c.3245+3A>T on transcript NM_000257.4 (MANE Select); 3 bases into the intron after coding-DNA position 3245, A replaced by T.
Molecular consequence: intron variant.
Genome position (GRCh38, 1-based): chr14:23,422,177, T>A on the plus strand (A>T on the coding strand, the complement: MYH7 is on the minus strand). VCF-style: chr14-23422177-T-A. GRCh37 (hg19) VCF-style: chr14-23891386-T-A.
Identifiers: ClinVar variation 180110 (VCV000180110.27), dbSNP rs727505355, ClinGen allele CA013503.